The following is an entry in ClinVar:

NM_032776.3(JMJD1C):c.4217C>T (p.Thr1406Ile)

Gene: JMJD1C (jumonji domain containing 1C; minus strand). Cytogenetic location: 10q21.3.
Variant type: single nucleotide variant.
Coding change: c.4217C>T on transcript NM_032776.3 (MANE Select); coding-DNA position 4217, C replaced by T.
Protein change: p.Thr1406Ile; replaces threonine 1406 with isoleucine.
Molecular consequence: missense variant. On other transcripts: non-coding transcript variant (1).
Genome position (GRCh38, 1-based): chr10:63,207,452, G>A on the plus strand (C>T on the coding strand, the complement: JMJD1C is on the minus strand). VCF-style: chr10-63207452-G-A. GRCh37 (hg19) VCF-style: chr10-64967212-G-A.
Other names: c.3671C>T, p.Thr1224Ile (NM_001282948.2, NM_001318154.2); c.3353C>T, p.Thr1118Ile (NM_001318153.2); c.4103C>T, p.Thr1368Ile (NM_001322252.2); c.3560C>T, p.Thr1187Ile (NM_001322254.2, NM_001322258.2); short protein forms T1118I, T1224I, T1187I, T1368I, T1406I.
Identifiers: ClinVar variation 1984873 (VCV001984873.4), dbSNP rs1846768515, ClinGen allele CA377038255.
Genomic context (GRCh38, chr10:63,207,452, plus strand): 5'-GCCAAAATGGTATTTGATAAAGAGGAAATTACTTCTGAACCACCCCAGCTGGAAACACTG[G>A]TAGTATCGGCAGCAGATGTGATTACATCCGTTTTGGTATTACACATCGTATTTACAGCAG-3'
Protein context (NP_116165.1, residues 1396-1416): TDVITSAADT[Thr1406Ile]SVSSWGGSEV

ClinVar aggregate classification (germline): Uncertain significance (1 of 4 stars; one submission).

Conditions:
Early Myoclonic Encephalopathy. Identifiers: MedGen C0270855.

Submission:

Labcorp Genetics (formerly Invitae), Labcorp
Classification: Uncertain significance for Early Myoclonic Encephalopathy. Last evaluated: 2024-11-20. Review status: criteria provided, single submitter. Criteria: Invitae Variant Classification Sherloc (09022015). Collection method: clinical testing. Allele origin: germline.
Comment: This sequence change replaces threonine, which is neutral and polar, with isoleucine, which is neutral and non-polar, at codon 1406 of the JMJD1C protein (p.Thr1406Ile). This variant is not present in population databases (gnomAD no frequency). This variant has not been reported in the literature in individuals affected with JMJD1C-related conditions. ClinVar contains an entry for this variant (Variation ID: 1984873). Invitae Evidence Modeling of protein sequence and biophysical properties (such as structural, functional, and spatial information, amino acid conservation, physicochemical variation, residue mobility, and thermodynamic stability) indicates that this missense variant is not expected to disrupt JMJD1C protein function with a negative predictive value of 80%. In summary, the available evidence is currently insufficient to determine the role of this variant in disease. Therefore, it has been classified as a Variant of Uncertain Significance.